The following is an entry in ClinVar:

NM_002069.6(GNAI1):c.802C>T (p.Leu268=)

Gene: GNAI1 (G protein subunit alpha i1; plus strand). Cytogenetic location: 7q21.11.
Variant type: single nucleotide variant.
Coding change: c.802C>T on transcript NM_002069.6 (MANE Select); coding-DNA position 802, C replaced by T.
Protein change: p.Leu268=; no amino-acid change (leucine 268 retained).
Molecular consequence: synonymous variant.
Genome position (GRCh38, 1-based): chr7:80,212,797, C>T. VCF-style: chr7-80212797-C-T. GRCh37 (hg19) VCF-style: chr7-79842113-C-T.
Other names: c.646C>T, p.Leu216= (NM_001256414.2).
Identifiers: ClinVar variation 4084050 (VCV004084050.8).
Genomic context (GRCh38, chr7:80,212,797, plus strand): 5'-AAATTGTTTGACAGCATATGTAACAACAAGTGGTTTACAGATACATCCATTATACTTTTT[C>T]TAAACAAGAAGGATCTCTTTGAAGAAAAAATCAAAAAGAGCCCTCTCACTATATGCTATC-3'
Protein context (NP_002060.4, residues 258-278): WFTDTSIILF[Leu268=]NKKDLFEEKI

ClinVar aggregate classification (germline): Benign (1 of 4 stars; one submission).

gnomAD v4.1: 597 of 1,578,178 alleles (0.038%); highest among the groups gnomAD compares: South Asian, 0.66%; 7 homozygotes.

Submission:

CeGaT Center for Human Genetics Tuebingen
Classification: Benign. Last evaluated: 2026-03-01. Review status: criteria provided, single submitter. Criteria: CeGaT Center For Human Genetics Tuebingen Variant Classification Criteria Version 2. Collection method: clinical testing. Allele origin: germline. Affected: yes. Observed: 2 variant alleles.
Comment: GNAI1: BP4, BS1, BS2